The following is an entry in ClinVar:

NM_173660.5(DOK7):c.661C>A (p.Pro221Thr)

Gene: DOK7 (docking protein 7; plus strand). Cytogenetic location: 4p16.3.
Variant type: single nucleotide variant.
Coding change: c.661C>A on transcript NM_173660.5 (MANE Select); coding-DNA position 661, C replaced by A.
Protein change: p.Pro221Thr; replaces proline 221 with threonine.
Molecular consequence: missense variant. On other transcripts: 5 prime UTR variant (1).
Genome position (GRCh38, 1-based): chr4:3,489,685, C>A. VCF-style: chr4-3489685-C-A. GRCh37 (hg19) VCF-style: chr4-3491412-C-A.
Other names: c.650C>A, p.Ser217Tyr (NM_001164673.2); c.-270C>A (NM_001256896.2); c.661C>A, p.Pro221Thr (NM_001301071.2); c.229C>A, p.Pro77Thr (NM_001363811.2); short protein forms P221T, S217Y, P77T.
Identifiers: ClinVar variation 465687 (VCV000465687.2), dbSNP rs377167511, ClinGen allele CA2829136.

ClinVar aggregate classification (germline): Uncertain significance. Review status: criteria provided, multiple submitters, no conflicts (2 of 4 stars). 2 submissions from 2 submitters: Uncertain significance (2). Last evaluated 2026-07-02.

Conditions:
Inborn genetic diseases. Identifiers: MedGen C0950123, MeSH D030342.
Fetal akinesia deformation sequence 1 (FADS1). Also called: Fetal akinesia sequence; Pena-Shokeir syndrome type I. Identifiers: Orphanet 994, MedGen C1276035, MONDO:0100101, OMIM 208150, HP:0001989.
Congenital myasthenic syndrome 10. Also called: Myasthenia, limb-girdle, familial. Identifiers: Orphanet 590, MedGen C1850792, MONDO:0009690, OMIM 254300.

Submissions (2):

Ambry Genetics
Classification: Uncertain significance for Inborn genetic diseases. Last evaluated: 2026-07-02. Review status: criteria provided, single submitter. Criteria: Ambry Variant Classification Scheme 2023. Collection method: clinical testing. Allele origin: germline.
Comment: The c.661C>A (p.P221T) alteration is located in exon 6 (coding exon 6) of the DOK7 gene. This alteration results from a C to A substitution at nucleotide position 661, causing the proline (P) at amino acid position 221 to be replaced by a threonine (T). Based on data from gnomAD, the A allele has an overall frequency of 0.001% (1/173762) total alleles studied. The highest observed frequency was 0.001% (1/70494) of European (non-Finnish) alleles. Based on insufficient or conflicting evidence, the clinical significance of this alteration remains unclear.

Labcorp Genetics (formerly Invitae), Labcorp
Classification: Uncertain significance for Congenital myasthenic syndrome 10; Fetal akinesia deformation sequence 1. Last evaluated: 2017-04-03. Review status: criteria provided, single submitter. Criteria: Invitae Variant Classification Sherloc (09022015). Collection method: clinical testing. Allele origin: germline.
Comment: This sequence change replaces proline with threonine at codon 221 of the DOK7 protein (p.Pro221Thr). The proline residue is weakly conserved and there is a small physicochemical difference between proline and threonine. This variant is present in population databases (rs377167511, ExAC 0.009%) but has not been reported in the literature in individuals with a DOK7-related disease. Algorithms developed to predict the effect of missense changes on protein structure and function (SIFT, PolyPhen-2, Align-GVGD) all suggest that this variant is likely to be tolerated, but these predictions have not been confirmed by published functional studies. In summary, this variant is a rare missense change that is not predicted to affect protein function. There is no indication that it causes disease, but the available evidence is currently insufficient to prove that conclusively. Therefore, it has been classified as a Variant of Uncertain Significance.